The following is an entry in ClinVar:

ClinVar aggregate classification (germline): Uncertain significance (1 of 4 stars; one submission).

Conditions:
Cardiovascular phenotype. Identifiers: MedGen CN230736.

Submission:

Ambry Genetics
Classification: Uncertain significance for Cardiovascular phenotype. Last evaluated: 2024-10-21. Review status: criteria provided, single submitter. Criteria: Ambry Variant Classification Scheme 2023. Collection method: clinical testing. Allele origin: germline.
Comment: The p.P2582A variant (also known as c.7744C>G), located in coding exon 21 of the TNXB gene, results from a C to G substitution at nucleotide position 7744. The proline at codon 2582 is replaced by alanine, an amino acid with highly similar properties. This amino acid position is conserved. In addition, this alteration is predicted to be tolerated by in silico analysis. Based on the available evidence, the clinical significance of this variant remains unclear.

NM_001365276.2(TNXB):c.7744C>G (p.Pro2582Ala)

Gene: TNXB (tenascin XB; minus strand). Cytogenetic location: 6p21.33.
Variant type: single nucleotide variant.
Coding change: c.7744C>G on transcript NM_001365276.2 (MANE Select); coding-DNA position 7744, C replaced by G.
Protein change: p.Pro2582Ala; replaces proline 2582 with alanine.
Molecular consequence: missense variant.
Genome position (GRCh38, 1-based): chr6:32,058,139, G>C on the plus strand (C>G on the coding strand, the complement: TNXB is on the minus strand). VCF-style: chr6-32058139-G-C. GRCh37 (hg19) VCF-style: chr6-32025916-G-C.
Other names: c.8485C>G, p.Pro2829Ala (NM_001428335.1); c.7744C>G, p.Pro2582Ala (NM_019105.8); short protein forms P2582A, P2829A.
Identifiers: ClinVar variation 3459815 (VCV003459815.1).
Genomic context (GRCh38, chr6:32,058,139, plus strand): 5'-CCGGGCCCAGGCGCCGCCCCTCGTGGAGGCCGTACAGGTGCATCTTGTACTTGCGCCCAG[G>C]CTCCAGGCCCCTCACAGTGACCTTGCTCTCCTGGCCCCCAACACGCACCGCCTGGGGCCG-3'
Protein context (NP_001352205.1, residues 2572-2592): ESKVTVRGLE[Pro2582Ala]GRKYKMHLYG